The following is an entry in ClinVar:

ClinVar aggregate classification (germline): Uncertain significance (1 of 4 stars; one submission).

Allele frequency attached by ClinVar (database versions not stated): TOPMed 0.00002; gnomAD 0.00004 and 0.00005; gnomAD exomes 0.00004 and 0.00006; ExAC 0.00008.
gnomAD v4.1: 66 of 1,614,014 alleles (0.0041%); highest among the groups gnomAD compares: South Asian, 0.029%; no homozygotes.

Submission:

Labcorp Genetics (formerly Invitae), Labcorp
Classification: Uncertain significance. Last evaluated: 2022-06-23. Review status: criteria provided, single submitter. Criteria: Invitae Variant Classification Sherloc (09022015). Collection method: clinical testing. Allele origin: germline.
Comment: This sequence change replaces serine, which is neutral and polar, with leucine, which is neutral and non-polar, at codon 126 of the CD40 protein (p.Ser126Leu). This variant is present in population databases (rs753176464, gnomAD 0.03%). This variant has not been reported in the literature in individuals affected with CD40-related conditions. ClinVar contains an entry for this variant (Variation ID: 1011576). Algorithms developed to predict the effect of missense changes on protein structure and function output the following: SIFT: "Tolerated"; PolyPhen-2: "Benign"; Align-GVGD: "Class C0". The leucine amino acid residue is found in multiple mammalian species, which suggests that this missense change does not adversely affect protein function. In summary, the available evidence is currently insufficient to determine the role of this variant in disease. Therefore, it has been classified as a Variant of Uncertain Significance.

NM_001250.6(CD40):c.377C>T (p.Ser126Leu)

Gene: CD40 (CD40 molecule; plus strand). Cytogenetic location: 20q13.12.
Variant type: single nucleotide variant.
Coding change: c.377C>T on transcript NM_001250.6 (MANE Select); coding-DNA position 377, C replaced by T.
Protein change: p.Ser126Leu; replaces serine 126 with leucine.
Molecular consequence: missense variant. On other transcripts: non-coding transcript variant (2).
Genome position (GRCh38, 1-based): chr20:46,122,730, C>T. VCF-style: chr20-46122730-C-T. GRCh37 (hg19) VCF-style: chr20-44751369-C-T.
Other names: c.377C>T, p.Ser126Leu (NM_001302753.2, NM_001322421.2, NM_001322422.2 and 2 more transcripts); short protein forms S126L.
Identifiers: ClinVar variation 1011576 (VCV001011576.6), dbSNP rs753176464, ClinGen allele CA9888453.